The following is an entry in ClinVar:

ClinVar aggregate classification (germline): Uncertain significance. Review status: criteria provided, multiple submitters, no conflicts (2 of 4 stars). 2 submissions from 2 submitters: Uncertain significance (2). Last evaluated 2025-10-02.

Conditions:
Hereditary cancer-predisposing syndrome. Also called: Neoplastic Syndromes, Hereditary; Tumor predisposition; Hereditary Cancer Syndrome; Hereditary neoplastic syndrome. Identifiers: Orphanet 140162, MedGen C0027672, MeSH D009386, MONDO:0015356.

gnomAD v4.1: 1 of 1,611,968 alleles (0.000062%); highest among the groups gnomAD compares: Admixed American, 0.0017%; no homozygotes.

Submissions (2):

Ambry Genetics
Classification: Uncertain significance for Hereditary cancer-predisposing syndrome. Last evaluated: 2025-10-02. Review status: criteria provided, single submitter. Criteria: Ambry Variant Classification Scheme 2023. Collection method: clinical testing. Allele origin: germline.
Comment: The p.Y964C variant (also known as c.2891A>G), located in coding exon 18 of the RAD50 gene, results from an A to G substitution at nucleotide position 2891. The tyrosine at codon 964 is replaced by cysteine, an amino acid with highly dissimilar properties. This amino acid position is highly conserved in available vertebrate species. In addition, this alteration is predicted to be deleterious by in silico analysis. Since supporting evidence is limited at this time, the clinical significance of this alteration remains unclear.

Labcorp Genetics (formerly Invitae), Labcorp
Classification: Uncertain significance for Hereditary cancer-predisposing syndrome. Last evaluated: 2024-04-10. Review status: criteria provided, single submitter. Criteria: Invitae Variant Classification Sherloc (09022015). Collection method: clinical testing. Allele origin: germline.
Comment: This sequence change replaces tyrosine, which is neutral and polar, with cysteine, which is neutral and slightly polar, at codon 964 of the RAD50 protein (p.Tyr964Cys). This variant is present in population databases (no rsID available, gnomAD 0.003%). This variant has not been reported in the literature in individuals affected with RAD50-related conditions. ClinVar contains an entry for this variant (Variation ID: 233569). Advanced modeling of protein sequence and biophysical properties (such as structural, functional, and spatial information, amino acid conservation, physicochemical variation, residue mobility, and thermodynamic stability) performed at Invitae indicates that this missense variant is expected to disrupt RAD50 protein function with a positive predictive value of 80%. In summary, the available evidence is currently insufficient to determine the role of this variant in disease. Therefore, it has been classified as a Variant of Uncertain Significance.

NM_005732.4(RAD50):c.2891A>G (p.Tyr964Cys)

Gene: RAD50 (RAD50 double strand break repair protein; plus strand). Cytogenetic location: 5q31.1.
Variant type: single nucleotide variant.
Coding change: c.2891A>G on transcript NM_005732.4 (MANE Select); coding-DNA position 2891, A replaced by G.
Protein change: p.Tyr964Cys; replaces tyrosine 964 with cysteine.
Molecular consequence: missense variant.
Genome position (GRCh38, 1-based): chr5:132,609,178, A>G. VCF-style: chr5-132609178-A-G. GRCh37 (hg19) VCF-style: chr5-131944870-A-G.
Other names: short protein forms Y964C.
Identifiers: ClinVar variation 233569 (VCV000233569.16), dbSNP rs377466333, ClinGen allele CA10578584.